The following is an entry in ClinVar:

NM_001376.5(DYNC1H1):c.13132C>T (p.Arg4378Trp)

Gene: DYNC1H1 (dynein cytoplasmic 1 heavy chain 1; plus strand). Cytogenetic location: 14q32.31.
Variant type: single nucleotide variant.
Coding change: c.13132C>T on transcript NM_001376.5 (MANE Select); coding-DNA position 13132, C replaced by T.
Protein change: p.Arg4378Trp; replaces arginine 4378 with tryptophan.
Molecular consequence: missense variant.
Genome position (GRCh38, 1-based): chr14:102,047,942, C>T. VCF-style: chr14-102047942-C-T. GRCh37 (hg19) VCF-style: chr14-102514279-C-T.
Other names: short protein forms R4378W.
Identifiers: ClinVar variation 1769711 (VCV001769711.4), dbSNP rs777747436, ClinGen allele CA7354150.

ClinVar aggregate classification (germline): Conflicting classifications of pathogenicity. Review status: criteria provided, conflicting classifications (1 of 4 stars). 2 submissions from 2 submitters: Uncertain significance (1); Likely benign (1). Last evaluated 2024-03-30.

Conditions:
Inborn genetic diseases. Identifiers: MedGen C0950123, MeSH D030342.
Charcot-Marie-Tooth disease axonal type 2O. Also called: CHARCOT-MARIE-TOOTH NEUROPATHY, AXONAL, TYPE 2O; CHARCOT-MARIE-TOOTH DISEASE, AXONAL, AUTOSOMAL DOMINANT, TYPE 2O; Charcot-Marie-Tooth Neuropathy Type 2O; Charcot-Marie-Tooth disease, axonal, type 20. Identifiers: Orphanet 284232, MedGen C3280220, MONDO:0013644, OMIM 614228.

Allele frequency attached by ClinVar (database versions not stated): gnomAD exomes below 0.00001; TOPMed below 0.00001; ExAC 0.00001; gnomAD 0.00001.
gnomAD v4.1: 6 of 1,613,064 alleles (0.00037%); highest among the groups gnomAD compares: East Asian, 0.0022%; no homozygotes.

Submissions (2):

Labcorp Genetics (formerly Invitae), Labcorp
Classification: Likely benign for Charcot-Marie-Tooth disease axonal type 2O. Last evaluated: 2024-03-30. Review status: criteria provided, single submitter. Criteria: Invitae Variant Classification Sherloc (09022015). Collection method: clinical testing. Allele origin: germline.

Ambry Genetics
Classification: Uncertain significance for Inborn genetic diseases. Last evaluated: 2021-11-11. Review status: criteria provided, single submitter. Criteria: Ambry Variant Classification Scheme 2023. Collection method: clinical testing. Allele origin: germline.
Comment: The p.R4378W variant (also known as c.13132C>T), located in coding exon 73 of the DYNC1H1 gene, results from a C to T substitution at nucleotide position 13132. The arginine at codon 4378 is replaced by tryptophan, an amino acid with dissimilar properties. This amino acid position is conserved. In addition, the in silico prediction for this alteration is inconclusive. Since supporting evidence is limited at this time, the clinical significance of this alteration remains unclear.